The following is an entry in ClinVar:

NM_018714.3(COG1):c.1160G>A (p.Trp387Ter)

Genes: COG1 (component of oligomeric golgi complex 1; plus strand), LOC126862634 (CDK7 strongly-dependent group 2 enhancer GRCh37_chr17:71195948-71197147; plus strand). Cytogenetic location: 17q25.1.
Variant type: single nucleotide variant.
Coding change: c.1160G>A on transcript NM_018714.3 (MANE Select); coding-DNA position 1160, G replaced by A.
Protein change: p.Trp387Ter; replaces tryptophan 387 with a stop codon.
Molecular consequence: nonsense.
Genome position (GRCh38, 1-based): chr17:73,200,655, G>A. VCF-style: chr17-73200655-G-A. GRCh37 (hg19) VCF-style: chr17-71196794-G-A.
Other names: short protein forms W387*.
Identifiers: ClinVar variation 5005806 (VCV005005806.2).

ClinVar aggregate classification (germline): Likely pathogenic (1 of 4 stars; one submission).

Conditions:
COG1 congenital disorder of glycosylation (CDG2G). Also called: CONGENITAL DISORDER OF GLYCOSYLATION, TYPE IIg; CDG IIg; CDGII/COG1 CEREBROCOSTOMANDIBULAR-LIKE SYNDROME. Identifiers: Orphanet 263508, MedGen C2931011, MONDO:0012637, OMIM 611209.

Submission:

Juno Genomics, Hangzhou Juno Genomics, Inc
Classification: Likely pathogenic for COG1 congenital disorder of glycosylation. Review status: criteria provided, single submitter. Criteria: ACMG Guidelines, 2015. Collection method: clinical testing. Allele origin: germline.
Comment: Null variant in a gene where loss of function (LOF) is a known mechanism of disease.;Absent from controls (or at extremely low frequency if recessive) in Genome Aggregation Database.